The following is an entry in ClinVar:

NM_176824.3(BBS7):c.*932T>G

Gene: BBS7 (Bardet-Biedl syndrome 7; minus strand). Cytogenetic location: 4q27.
Variant type: single nucleotide variant.
Coding change: c.*932T>G on transcript NM_176824.3 (MANE Select); 932 bases downstream of the stop codon, T replaced by G.
Molecular consequence: 3 prime UTR variant.
Genome position (GRCh38, 1-based): chr4:121,824,928, A>C on the plus strand (T>G on the coding strand, the complement: BBS7 is on the minus strand). VCF-style: chr4-121824928-A-C. GRCh37 (hg19) VCF-style: chr4-122746083-A-C.
Identifiers: ClinVar variation 347470 (VCV000347470.5), dbSNP rs3217755, ClinGen allele CA10617887.

ClinVar aggregate classification (germline): Benign (1 of 4 stars; one submission).

Conditions:
Bardet-Biedl syndrome 7 (BBS7). Identifiers: Orphanet 110, MedGen C1859565, MONDO:0014435, OMIM 615984.

Allele frequency attached by ClinVar (database versions not stated): gnomAD 0.00007 and 0.00141; TOPMed 0.00039; 1000 Genomes Project 30x 0.00671; 1000 Genomes Project 0.00739.

Submission:

Illumina Laboratory Services, Illumina
Classification: Benign for Bardet-Biedl syndrome 7. Last evaluated: 2018-01-12. Review status: criteria provided, single submitter. Criteria: ICSL Variant Classification Criteria 13 December 2019. Collection method: clinical testing. Allele origin: germline.
Comment: This variant was observed in the ICSL laboratory as part of a predisposition screen in an ostensibly healthy population. It had not been previously curated by ICSL or reported in the Human Gene Mutation Database (HGMD: prior to June 1st, 2018), and was therefore a candidate for classification through an automated scoring system. Utilizing variant allele frequency, disease prevalence and penetrance estimates, and inheritance mode, an automated score was calculated to assess if this variant is too frequent to cause the disease. Based on the score and internal cut-off values, a variant classified as benign is not then subjected to further curation. The score for this variant resulted in a classification of benign for this disease.